The following is an entry in ClinVar:

NM_018972.4(GDAP1):c.473C>T (p.Thr158Ile)

Gene: GDAP1 (ganglioside induced differentiation associated protein 1; plus strand). Cytogenetic location: 8q21.11.
Variant type: single nucleotide variant.
Coding change: c.473C>T on transcript NM_018972.4 (MANE Select); coding-DNA position 473, C replaced by T.
Protein change: p.Thr158Ile; replaces threonine 158 with isoleucine.
Molecular consequence: missense variant. On other transcripts: intron variant (1).
Genome position (GRCh38, 1-based): chr8:74,360,299, C>T. VCF-style: chr8-74360299-C-T. GRCh37 (hg19) VCF-style: chr8-75272534-C-T.
Other names: c.269C>T, p.Thr90Ile (NM_001040875.4); c.146C>T, p.Thr49Ile (NM_001362929.2, NM_001362932.2); c.473C>T, p.Thr158Ile (NM_001362931.2); c.311-1585C>T (NM_001362930.2); short protein forms T158I, T49I, T90I.
Identifiers: ClinVar variation 3336486 (VCV003336486.1).

ClinVar aggregate classification (germline): Uncertain significance (1 of 4 stars; one submission).

Submission:

Women's Health and Genetics/Laboratory Corporation of America, LabCorp
Classification: Uncertain significance. Last evaluated: 2024-05-21. Review status: criteria provided, single submitter. Criteria: LabCorp Variant Classification Summary - May 2015. Collection method: clinical testing. Allele origin: germline.
Comment: Variant summary: GDAP1 c.473C>T (p.Thr158Ile) results in a non-conservative amino acid change located in the Glutathione S-transferase, C-terminal-like domain (IPR010987) of the encoded protein sequence. Four of five in-silico tools predict a damaging effect of the variant on protein function. The variant was absent in 251462 control chromosomes. The available data on variant occurrences in the general population are insufficient to allow any conclusion about variant significance. c.473C>T has been reported in the heterozygous state in the literature in individuals affected with Charcot-Marie-Tooth disease, at least one of which who also harbored a pathogenic variant in MFN2, another CMT-related gene (example, Bacquet_2018, Hoebeke_2018). These reports do not provide unequivocal conclusions about association of the variant with Charcot-Marie Disease Type 4A. To our knowledge, no experimental evidence demonstrating an impact on protein function has been reported. The following publications have been ascertained in the context of this evaluation (PMID: 30373780, 30340945). No submitters have cited clinical-significance assessments for this variant to ClinVar. Based on the evidence outlined above, the variant was classified as uncertain significance.

Literature cited by the submitters: PubMed 30373780; PubMed 30340945.